The following is an entry in ClinVar:

NM_181882.3(PRX):c.655G>A (p.Val219Met)

Gene: PRX (periaxin; minus strand). Cytogenetic location: 19q13.2.
Variant type: single nucleotide variant.
Coding change: c.655G>A on transcript NM_181882.3 (MANE Select); coding-DNA position 655, G replaced by A.
Protein change: p.Val219Met; replaces valine 219 with methionine.
Molecular consequence: missense variant. On other transcripts: 3 prime UTR variant (1).
Genome position (GRCh38, 1-based): chr19:40,397,697, C>T on the plus strand (G>A on the coding strand, the complement: PRX is on the minus strand). VCF-style: chr19-40397697-C-T. GRCh37 (hg19) VCF-style: chr19-40903604-C-T.
Other names: c.940G>A, p.Val314Met (NM_001411127.1); c.*860G>A (NM_020956.2); short protein forms V219M, V314M.
Identifiers: ClinVar variation 2004192 (VCV002004192.4), dbSNP rs1221439011, ClinGen allele CA405899944.

ClinVar aggregate classification (germline): Uncertain significance (1 of 4 stars; one submission).

Conditions:
Charcot-Marie-Tooth disease type 4. Also called: Charcot-Marie-Tooth, Type 4; Charcot-Marie-Tooth disease, type IV. Identifiers: Orphanet 64749, MedGen C4082197, MONDO:0018995.

Submission:

Labcorp Genetics (formerly Invitae), Labcorp
Classification: Uncertain significance for Charcot-Marie-Tooth disease type 4. Last evaluated: 2022-06-10. Review status: criteria provided, single submitter. Criteria: Invitae Variant Classification Sherloc (09022015). Collection method: clinical testing. Allele origin: germline.
Comment: This sequence change replaces valine, which is neutral and non-polar, with methionine, which is neutral and non-polar, at codon 219 of the PRX protein (p.Val219Met). In summary, the available evidence is currently insufficient to determine the role of this variant in disease. Therefore, it has been classified as a Variant of Uncertain Significance. Algorithms developed to predict the effect of missense changes on protein structure and function are either unavailable or do not agree on the potential impact of this missense change (SIFT: "Tolerated"; PolyPhen-2: "Possibly Damaging"; Align-GVGD: "Class C0"). This variant has not been reported in the literature in individuals affected with PRX-related conditions. This variant is not present in population databases (gnomAD no frequency).